The following is an entry in ClinVar:

ClinVar aggregate classification (germline): Likely pathogenic. Review status: criteria provided, multiple submitters, no conflicts (2 of 4 stars). 2 submissions from 2 submitters: Likely pathogenic (2). Last evaluated 2024-05-04.

Conditions:
Cobalamin C disease. Also called: Methylmalonic aciduria and homocystinuria, Vitamin B12-responsive; Vitamin B12 metabolic defect with combined deficiency of methylmalonyl-CoA mutase and homocysteine:methyltetrahydrofolate methyltransferase; methylmalonic aciduria and homocystinuria type cblC; Cobalamin-C methylmalonic acidemia and homocystinuria; Methylmalonic acidemia and homocystinuria cblC type; Methylmalonic aciduria with homocystinuria cblC type. Identifiers: Orphanet 26, Orphanet 79282, MedGen C1848561, MONDO:0010184, OMIM 277400.
Methylmalonic acidemia with homocystinuria, type cblJ (MAHCJ). Also called: METHYLMALONIC ACIDURIA AND HOMOCYSTINURIA, cblJ TYPE. Identifiers: Orphanet 369955, MedGen C3553915, MONDO:0013925, OMIM 614857.

Allele frequency attached by ClinVar (database versions not stated): gnomAD exomes below 0.00001 and 0.00001; ExAC 0.00001.
gnomAD v4.1: 19 of 1,614,166 alleles (0.0012%); highest among the groups gnomAD compares: Non-Finnish European, 0.0014%; no homozygotes.

Submissions (2):

Fulgent Genetics
Classification: Likely pathogenic for Methylmalonic acidemia with homocystinuria, type cblJ. Last evaluated: 2024-05-04. Review status: criteria provided, single submitter. Criteria: ACMG Guidelines, 2015. Collection method: clinical testing. Allele origin: germline.

Women's Health and Genetics/Laboratory Corporation of America, LabCorp
Classification: Likely pathogenic for Cobalamin C disease. Last evaluated: 2024-03-25. Review status: criteria provided, single submitter. Criteria: LabCorp Variant Classification Summary - May 2015. Collection method: clinical testing. Allele origin: germline.
Comment: Variant summary: ABCD4 c.1295G>A (p.Arg432Gln) results in a conservative amino acid change located in the ABC transporter-like, ATP-binding domain (IPR003439) of the encoded protein sequence. Four of five in-silico tools predict a damaging effect of the variant on protein function. The variant allele was found at a frequency of 4e-06 in 251442 control chromosomes. c.1295G>A has been reported in the literature as a compound heterozygous genotype in at-least two individuals affected with Methylmalonic Acidemia With Homocystinuria (example, Fettelschoss_2017 cited by Liu_2019, Pillai_2019). At least one publication reports experimental evidence evaluating an impact on protein function (Fettelschoss_2017). The most pronounced variant effect results in decreased interaction of ABCD4 with its binding partner LMBD1. The following publications have been ascertained in the context of this evaluation (PMID: 28572511, 33845046, 30651581, 33729671). ClinVar contains an entry for this variant (Variation ID: 1698540). Based on the evidence outlined above, the variant was classified as likely pathogenic.

Literature cited by the submitters: PubMed 28572511 (cited by Women's Health and Genetics/Laboratory Corporation of America, LabCorp); PubMed 33845046 (cited by Women's Health and Genetics/Laboratory Corporation of America, LabCorp); PubMed 30651581 (cited by Women's Health and Genetics/Laboratory Corporation of America, LabCorp); PubMed 33729671 (cited by Women's Health and Genetics/Laboratory Corporation of America, LabCorp).

NM_005050.4(ABCD4):c.1295G>A (p.Arg432Gln)

Gene: ABCD4 (ATP binding cassette subfamily D member 4; minus strand). Cytogenetic location: 14q24.3.
Variant type: single nucleotide variant.
Coding change: c.1295G>A on transcript NM_005050.4 (MANE Select); coding-DNA position 1295, G replaced by A.
Protein change: p.Arg432Gln; replaces arginine 432 with glutamine.
Molecular consequence: missense variant. On other transcripts: non-coding transcript variant (10).
Genome position (GRCh38, 1-based): chr14:74,290,323, C>T on the plus strand (G>A on the coding strand, the complement: ABCD4 is on the minus strand). VCF-style: chr14-74290323-C-T. GRCh37 (hg19) VCF-style: chr14-74757026-C-T.
Other names: c.506G>A, p.Arg169Gln (NM_001353607.2, NM_001353608.2, NM_001353609.2 and 6 more transcripts); c.818G>A, p.Arg273Gln (NM_020324.3, NM_001353598.2, NM_001353599.2 and 2 more transcripts); c.1295G>A, p.Arg432Gln (NM_020325.3); c.1169G>A, p.Arg390Gln (NM_001353591.2, NM_001353592.2); c.1034G>A, p.Arg345Gln (NM_001353593.2); c.983G>A, p.Arg328Gln (NM_001353594.2); c.881G>A, p.Arg294Gln (NM_001353595.2, NM_001353596.2); c.830G>A, p.Arg277Gln (NM_001353597.2); short protein forms R169Q, R273Q, R277Q, R294Q, R328Q, R345Q, R390Q, R432Q.
Identifiers: ClinVar variation 1698540 (VCV001698540.4), dbSNP rs745414252, ClinGen allele CA7266871.